The following is an entry in ClinVar:

ClinVar aggregate classification (germline): Uncertain significance. Review status: criteria provided, multiple submitters, no conflicts (2 of 4 stars). 2 submissions from 2 submitters: Uncertain significance (2). Last evaluated 2025-11-09.

Allele frequency attached by ClinVar (database versions not stated): gnomAD exomes below 0.00001; TOPMed below 0.00001.
gnomAD v4.1: 16 of 1,613,994 alleles (0.00099%); highest among the groups gnomAD compares: East Asian, 0.0022%; no homozygotes.

Submissions (2):

Labcorp Genetics (formerly Invitae), Labcorp
Classification: Uncertain significance. Last evaluated: 2025-11-09. Review status: criteria provided, single submitter. Criteria: Invitae Variant Classification Sherloc (09022015). Collection method: clinical testing. Allele origin: germline.
Comment: This sequence change replaces threonine, which is neutral and polar, with isoleucine, which is neutral and non-polar, at codon 67 of the KLHDC8B protein (p.Thr67Ile). The frequency data for this variant in the population databases is considered unreliable, as metrics indicate poor data quality at this position in the gnomAD database. This variant has not been reported in the literature in individuals affected with KLHDC8B-related conditions. ClinVar contains an entry for this variant (Variation ID: 2721997). An algorithm developed to predict the effect of missense changes on protein structure and function (PolyPhen-2) suggests that this variant is likely to be disruptive. In summary, the available evidence is currently insufficient to determine the role of this variant in disease. Therefore, it has been classified as a Variant of Uncertain Significance.

Ambry Genetics
Classification: Uncertain significance. Last evaluated: 2024-01-22. Review status: criteria provided, single submitter. Criteria: Ambry Variant Classification Scheme 2023. Collection method: clinical testing. Allele origin: germline.

NM_173546.3(KLHDC8B):c.200C>T (p.Thr67Ile)

Gene: KLHDC8B (kelch domain containing 8B; plus strand). Cytogenetic location: 3p21.31.
Variant type: single nucleotide variant.
Coding change: c.200C>T on transcript NM_173546.3 (MANE Select); coding-DNA position 200, C replaced by T.
Protein change: p.Thr67Ile; replaces threonine 67 with isoleucine.
Molecular consequence: missense variant.
Genome position (GRCh38, 1-based): chr3:49,172,969, C>T. VCF-style: chr3-49172969-C-T. GRCh37 (hg19) VCF-style: chr3-49210402-C-T.
Other names: c.200C>T (NM_173546.2); short protein forms T67I.
Identifiers: ClinVar variation 2721997 (VCV002721997.4), dbSNP rs368617575, ClinGen allele CA74524245.